The following is an entry in ClinVar:

ClinVar aggregate classification (germline): Benign/Likely benign. Review status: criteria provided, multiple submitters, no conflicts (2 of 4 stars). 2 submissions from 2 submitters: Benign (1); Likely benign (1). Last evaluated 2024-06-21.

Conditions:
Ataxia-telangiectasia syndrome (AT). Also called: LOUIS-BAR SYNDROME; Cerebello-oculocutaneous telangiectasia; Immunodeficiency with ataxia telangiectasia; Ataxia telangiectasia (A-T); Ataxia-telangiectasia, complementation group D; AT, COMPLEMENTATION GROUP C. Identifiers: Orphanet 100, MedGen C0004135, MONDO:0008840, OMIM 208900.
Familial cancer of breast. Also called: BREAST CANCER, FAMILIAL; Hereditary breast cancer; hereditary breast carcinoma. Identifiers: Orphanet 227535, MedGen C0346153, MONDO:0016419, OMIM 114480. Disease mechanism: loss of function.

Allele frequency attached by ClinVar (database versions not stated): gnomAD exomes below 0.00001.
gnomAD v4.1: 1 of 1,614,118 alleles (0.000062%); highest among the groups gnomAD compares: South Asian, 0.0011%; no homozygotes.

Submissions (2):

Myriad Genetics, Inc.
Classification: Benign for Familial cancer of breast. Last evaluated: 2024-06-21. Review status: criteria provided, single submitter. Criteria: Myriad Autosomal Dominant, Autosomal Recessive and X-Linked Classification Criteria (2023). Collection method: clinical testing. Allele origin: unknown.
Comment: This variant is considered benign. This variant is a silent/synonymous amino acid change and it is not expected to impact splicing.

Labcorp Genetics (formerly Invitae), Labcorp
Classification: Likely benign for Ataxia-telangiectasia syndrome. Last evaluated: 2023-07-28. Review status: criteria provided, single submitter. Criteria: Invitae Variant Classification Sherloc (09022015). Collection method: clinical testing. Allele origin: germline.

NM_000051.4(ATM):c.8877C>T (p.Asp2959=)

Genes: ATM (ATM serine/threonine kinase; plus strand), C11orf65 (chromosome 11 open reading frame 65; minus strand). Cytogenetic location: 11q22.3.
Variant type: single nucleotide variant.
Coding change: c.8877C>T on transcript NM_000051.4 (MANE Select); coding-DNA position 8877, C replaced by T.
Protein change: p.Asp2959=; no amino-acid change (aspartic acid 2959 retained).
Molecular consequence: synonymous variant. On other transcripts: intron variant (2).
Genome position (GRCh38, 1-based): chr11:108,365,108, C>T. VCF-style: chr11-108365108-C-T. GRCh37 (hg19) VCF-style: chr11-108235835-C-T.
Other names: c.8877C>T, p.Asp2959= (NM_001351834.2); c.640+20812G>A (NM_001330368.2); c.694+20812G>A (NM_001351110.2).
Identifiers: ClinVar variation 2786875 (VCV002786875.4), dbSNP rs2547674671, ClinGen allele CA476745199.
Genomic context (GRCh38, chr11:108,365,108, plus strand): 5'-TTGTTCTTTTAATACATATGTTCTCTCTGTTTAGGTCCTTCTATATGATCCACTCTTTGA[C>T]TGGACCATGAATCCTTTGAAAGCTTTGTATTTACAGCAGAGGCCGGAAGATGAAACTGAG-3'
Protein context (NP_000042.3, residues 2949-2969): VEVLLYDPLF[Asp2959=]WTMNPLKALY